The following is an entry in ClinVar:

ClinVar aggregate classification (germline): Uncertain significance (1 of 4 stars; one submission).

Conditions:
Rubinstein-Taybi syndrome (RSTS). Identifiers: Orphanet 783, MedGen C0035934, MONDO:0019188.

Allele frequency attached by ClinVar (database versions not stated): gnomAD exomes below 0.00001.
gnomAD v4.1: 1 of 1,614,242 alleles (0.000062%); highest among the groups gnomAD compares: Non-Finnish European, 0.000085%; no homozygotes.

Submission:

Labcorp Genetics (formerly Invitae), Labcorp
Classification: Uncertain significance for Rubinstein-Taybi syndrome. Last evaluated: 2022-12-08. Review status: criteria provided, single submitter. Criteria: Invitae Variant Classification Sherloc (09022015). Collection method: clinical testing. Allele origin: germline.
Comment: In summary, the available evidence is currently insufficient to determine the role of this variant in disease. Therefore, it has been classified as a Variant of Uncertain Significance. Variants that disrupt the consensus splice site are a relatively common cause of aberrant splicing (PMID: 17576681, 9536098). Algorithms developed to predict the effect of sequence changes on RNA splicing suggest that this variant is not likely to affect RNA splicing. This variant has not been reported in the literature in individuals affected with CREBBP-related conditions. This variant is not present in population databases (gnomAD no frequency). This sequence change falls in intron 28 of the CREBBP gene. It does not directly change the encoded amino acid sequence of the CREBBP protein. It affects a nucleotide within the consensus splice site.

Literature cited by the submitters: PubMed 17576681; PubMed 9536098.

NM_004380.3(CREBBP):c.4728+4C>G

Gene: CREBBP (CREB binding lysine acetyltransferase; minus strand). Cytogenetic location: 16p13.3.
Variant type: single nucleotide variant.
Coding change: c.4728+4C>G on transcript NM_004380.3 (MANE Select); 4 bases into the intron after coding-DNA position 4728, C replaced by G.
Molecular consequence: intron variant.
Genome position (GRCh38, 1-based): chr16:3,736,032, G>C on the plus strand (C>G on the coding strand, the complement: CREBBP is on the minus strand). VCF-style: chr16-3736032-G-C. GRCh37 (hg19) VCF-style: chr16-3786033-G-C.
Other names: c.4614+4C>G (NM_001079846.1).
Identifiers: ClinVar variation 2956964 (VCV002956964.3), dbSNP rs2151327569, ClinGen allele CA2631401162.